The following is an entry in ClinVar:

NM_015570.4(AUTS2):c.1214G>A (p.Ser405Asn)

Gene: AUTS2 (activator of transcription and developmental regulator AUTS2; plus strand). Cytogenetic location: 7q11.22.
Variant type: single nucleotide variant.
Coding change: c.1214G>A on transcript NM_015570.4 (MANE Select); coding-DNA position 1214, G replaced by A.
Protein change: p.Ser405Asn; replaces serine 405 with asparagine.
Molecular consequence: missense variant.
Genome position (GRCh38, 1-based): chr7:70,763,341, G>A. VCF-style: chr7-70763341-G-A. GRCh37 (hg19) VCF-style: chr7-70228327-G-A.
Other names: c.1214G>A, p.Ser405Asn (NM_001127231.3); short protein forms S405N.
Identifiers: ClinVar variation 2575655 (VCV002575655.1), dbSNP rs1180588796, ClinGen allele CA367668081.

ClinVar aggregate classification (germline): Uncertain significance (1 of 4 stars; one submission).

Submission:

GeneDx
Classification: Uncertain significance. Last evaluated: 2023-02-12. Review status: criteria provided, single submitter. Criteria: GeneDx Variant Classification Process June 2021. Collection method: clinical testing. Allele origin: germline. Affected: yes.
Comment: In silico analysis supports that this missense variant does not alter protein structure/function; Has not been previously published as pathogenic or benign to our knowledge